The following is an entry in ClinVar:

ClinVar aggregate classification (germline): Uncertain significance (1 of 4 stars; one submission).

Conditions:
Cardiovascular phenotype. Identifiers: MedGen CN230736.

Submission:

Ambry Genetics
Classification: Uncertain significance for Cardiovascular phenotype. Last evaluated: 2021-09-20. Review status: criteria provided, single submitter. Criteria: Ambry Variant Classification Scheme 2023. Collection method: clinical testing. Allele origin: germline.
Comment: The p.A895T variant (also known as c.2683G>A), located in coding exon 19 of the MYH6 gene, results from a G to A substitution at nucleotide position 2683. The alanine at codon 895 is replaced by threonine, an amino acid with similar properties. This amino acid position is conserved. In addition, this alteration is predicted to be tolerated by in silico analysis. Since supporting evidence is limited at this time, the clinical significance of this alteration remains unclear.

NM_002471.4(MYH6):c.2683G>A (p.Ala895Thr)

Gene: MYH6 (myosin heavy chain 6; minus strand). Cytogenetic location: 14q11.2.
Variant type: single nucleotide variant.
Coding change: c.2683G>A on transcript NM_002471.4 (MANE Select); coding-DNA position 2683, G replaced by A.
Protein change: p.Ala895Thr; replaces alanine 895 with threonine.
Molecular consequence: missense variant.
Genome position (GRCh38, 1-based): chr14:23,394,070, C>T on the plus strand (G>A on the coding strand, the complement: MYH6 is on the minus strand). VCF-style: chr14-23394070-C-T. GRCh37 (hg19) VCF-style: chr14-23863279-C-T.
Other names: short protein forms A895T.
Identifiers: ClinVar variation 1794699 (VCV001794699.2), dbSNP rs2502171627, ClinGen allele CA389013644.